The following is an entry in ClinVar:

ClinVar aggregate classification (germline): Pathogenic (1 of 4 stars; one submission).

Conditions:
Methylmalonic aciduria due to methylmalonyl-CoA mutase deficiency (MAMM). Also called: Methylmalonic aciduria, mut type. Identifiers: Orphanet 27, MedGen C1855114, MONDO:0009612, OMIM 251000.

Submission:

Myriad Genetics, Inc.
Classification: Pathogenic for Methylmalonic aciduria due to methylmalonyl-CoA mutase deficiency. Last evaluated: 2023-09-03. Review status: criteria provided, single submitter. Criteria: Myriad Autosomal Dominant, Autosomal Recessive and X-Linked Classification Criteria (2023). Collection method: clinical testing. Allele origin: unknown.
Comment: NM_000255.3(MMUT):c.1630G>T(G544*) is expected to be pathogenic in the context of methylmalonic acidemia, MMUT-related. This variant is predicted to lead to an abnormal or absent protein product due to the creation of a premature termination codon in MMUT, a gene where loss-of-function variants are known to be pathogenic. Please note: this variant was assessed in the context of healthy population screening.

NM_000255.4(MMUT):c.1630G>T (p.Gly544Ter)

Gene: MMUT (methylmalonyl-CoA mutase; minus strand). Cytogenetic location: 6p12.3.
Variant type: single nucleotide variant.
Coding change: c.1630G>T on transcript NM_000255.4 (MANE Select); coding-DNA position 1630, G replaced by T.
Protein change: p.Gly544Ter; replaces glycine 544 with a stop codon.
Molecular consequence: nonsense.
Genome position (GRCh38, 1-based): chr6:49,444,685, C>A on the plus strand (G>T on the coding strand, the complement: MMUT is on the minus strand). VCF-style: chr6-49444685-C-A. GRCh37 (hg19) VCF-style: chr6-49412398-C-A.
Other names: short protein forms G544*.
Identifiers: ClinVar variation 5010581 (VCV005010581.1).